The following is an entry in ClinVar:

NM_033310.3(KCNK4):c.815C>T (p.Thr272Met)

Genes: KCNK4 (potassium two pore domain channel subfamily K member 4; plus strand), KCNK4-CATSPERZ (KCNK4-CATSPERZ readthrough (NMD candidate); plus strand). Cytogenetic location: 11q13.1.
Variant type: single nucleotide variant.
Coding change: c.815C>T on transcript NM_033310.3 (MANE Select); coding-DNA position 815, C replaced by T.
Protein change: p.Thr272Met; replaces threonine 272 with methionine.
Molecular consequence: missense variant. On other transcripts: non-coding transcript variant (3).
Genome position (GRCh38, 1-based): chr11:64,299,359, C>T. VCF-style: chr11-64299359-C-T. GRCh37 (hg19) VCF-style: chr11-64066831-C-T.
Other names: c.815C>T, p.Thr272Met (NM_001317090.2); c.815C>T (NM_033310.2); short protein forms T272M.
Identifiers: ClinVar variation 1390964 (VCV001390964.7), dbSNP rs2135236141, ClinGen allele CA381066726.

ClinVar aggregate classification (germline): Uncertain significance. Review status: criteria provided, multiple submitters, no conflicts (2 of 4 stars). 2 submissions from 2 submitters: Uncertain significance (2). Last evaluated 2025-05-29.

Allele frequency attached by ClinVar (database versions not stated): gnomAD exomes below 0.00001.
gnomAD v4.1: 1 of 1,561,326 alleles (0.000064%); no homozygotes.

Submissions (2):

GeneDx
Classification: Uncertain significance. Last evaluated: 2025-05-29. Review status: criteria provided, single submitter. Criteria: GeneDx Variant Classification Process June 2021. Collection method: clinical testing. Allele origin: germline. Affected: yes.
Comment: Not observed at significant frequency in large population cohorts (gnomAD); In silico analysis suggests that this missense variant does not alter protein structure/function; Has not been previously published as pathogenic or benign to our knowledge

Labcorp Genetics (formerly Invitae), Labcorp
Classification: Uncertain significance. Last evaluated: 2024-07-06. Review status: criteria provided, single submitter. Criteria: Invitae Variant Classification Sherloc (09022015). Collection method: clinical testing. Allele origin: germline.
Comment: This sequence change replaces threonine, which is neutral and polar, with methionine, which is neutral and non-polar, at codon 272 of the KCNK4 protein (p.Thr272Met). This variant is not present in population databases (gnomAD no frequency). This variant has not been reported in the literature in individuals affected with KCNK4-related conditions. ClinVar contains an entry for this variant (Variation ID: 1390964). An algorithm developed to predict the effect of missense changes on protein structure and function (PolyPhen-2) suggests that this variant is likely to be disruptive. In summary, the available evidence is currently insufficient to determine the role of this variant in disease. Therefore, it has been classified as a Variant of Uncertain Significance.